The following is an entry in ClinVar:

ClinVar aggregate classification (germline): Conflicting classifications of pathogenicity. Review status: criteria provided, conflicting classifications (1 of 4 stars). 7 submissions from 6 submitters: Uncertain significance (4); Likely benign (2). 1 of the submissions does not count toward it. Last evaluated 2026-06-01.

Conditions:
Retinal dystrophy. Also called: Inherited retinal dystrophy. Identifiers: Orphanet 71862, MedGen C0854723, MeSH D058499, MONDO:0019118, HP:0000556.
Usher syndrome type 2A. Also called: RETINAL DISEASE IN USHER SYNDROME TYPE IIA, MODIFIER OF; USHER SYNDROME, TYPE IIA. Identifiers: Orphanet 231178, Orphanet 886, MedGen C1848634, MONDO:0010169, OMIM 276901.
Retinitis pigmentosa 39 (RP39). Identifiers: Orphanet 791, MedGen C3151138, MONDO:0013436, OMIM 613809.

Allele frequency attached by ClinVar (database versions not stated): TOPMed 0.00002; gnomAD 0.00004 and 0.00005; ExAC 0.00006; gnomAD exomes 0.00008; 1000 Genomes Project 30x 0.00031; 1000 Genomes Project 0.00040.
gnomAD v4.1: 29 of 1,614,030 alleles (0.0018%); highest among the groups gnomAD compares: East Asian, 0.038%; no homozygotes.

Submissions (7):

CeGaT Center for Human Genetics Tuebingen
Classification: Uncertain significance. Last evaluated: 2026-06-01. Review status: criteria provided, single submitter. Criteria: CeGaT Center For Human Genetics Tuebingen Variant Classification Criteria Version 2. Collection method: clinical testing. Allele origin: germline. Affected: yes. Observed: 1 variant allele.
Comment: USH2A: PM2, BP4

Labcorp Genetics (formerly Invitae), Labcorp
Classification: Likely benign. Last evaluated: 2025-09-30. Review status: criteria provided, single submitter. Criteria: Invitae Variant Classification Sherloc (09022015). Collection method: clinical testing. Allele origin: germline.

Genome-Nilou Lab
Classification: Uncertain significance for Retinitis pigmentosa 39. Last evaluated: 2023-11-04. Review status: criteria provided, single submitter. Criteria: ACMG Guidelines, 2015. Collection method: clinical testing. Allele origin: germline. Affected: no.

Genome-Nilou Lab
Classification: Uncertain significance for Usher syndrome type 2A. Last evaluated: 2023-11-04. Review status: criteria provided, single submitter. Criteria: ACMG Guidelines, 2015. Collection method: clinical testing. Allele origin: germline. Affected: no.

Dept Of Ophthalmology, Nagoya University
Classification: Likely benign for Retinal dystrophy. Last evaluated: 2023-10-01. Review status: criteria provided, single submitter. Criteria: Submitter's publication. Collection method: research. Allele origin: germline. Affected: yes.

Fulgent Genetics
Classification: Uncertain significance for Usher syndrome type 2A; Retinitis pigmentosa 39. Last evaluated: 2021-12-06. Review status: criteria provided, single submitter. Criteria: ACMG Guidelines, 2015. Collection method: clinical testing. Allele origin: unknown.

Natera, Inc.
Classification: Uncertain significance for Usher syndrome type 2A. Last evaluated: 2020-09-16. Review status: no assertion criteria provided. Collection method: clinical testing. Allele origin: germline. Not counted in ClinVar's aggregate classification.

NM_206933.4(USH2A):c.11134G>A (p.Val3712Ile)

Gene: USH2A (usherin; minus strand). Cytogenetic location: 1q41.
Variant type: single nucleotide variant.
Coding change: c.11134G>A on transcript NM_206933.4 (MANE Select); coding-DNA position 11134, G replaced by A.
Protein change: p.Val3712Ile; replaces valine 3712 with isoleucine.
Molecular consequence: missense variant.
Genome position (GRCh38, 1-based): chr1:215,759,757, C>T on the plus strand (G>A on the coding strand, the complement: USH2A is on the minus strand). VCF-style: chr1-215759757-C-T. GRCh37 (hg19) VCF-style: chr1-215933099-C-T.
Other names: short protein forms V3712I.
Identifiers: ClinVar variation 852750 (VCV000852750.11), dbSNP rs201951918, ClinGen allele CA1393808.